The following is an entry in ClinVar:

NM_003227.4(TFR2):c.334G>A (p.Gly112Arg)

Gene: TFR2 (transferrin receptor 2; minus strand). Cytogenetic location: 7q22.1.
Variant type: single nucleotide variant.
Coding change: c.334G>A on transcript NM_003227.4 (MANE Select); coding-DNA position 334, G replaced by A.
Protein change: p.Gly112Arg; replaces glycine 112 with arginine.
Molecular consequence: missense variant.
Genome position (GRCh38, 1-based): chr7:100,640,825, C>T on the plus strand (G>A on the coding strand, the complement: TFR2 is on the minus strand). VCF-style: chr7-100640825-C-T. GRCh37 (hg19) VCF-style: chr7-100238448-C-T.
Other names: c.334G>A (NM_003227.3); short protein forms G112R.
Identifiers: ClinVar variation 1983394 (VCV001983394.2), dbSNP rs759961080, ClinGen allele CA4386864.

ClinVar aggregate classification (germline): Uncertain significance. Review status: criteria provided, multiple submitters, no conflicts (2 of 4 stars). 2 submissions from 2 submitters: Uncertain significance (2). Last evaluated 2025-07-02.

Conditions:
Hereditary hemochromatosis (HFE). Identifiers: MedGen C0392514, MONDO:0006507. Disease mechanism: loss of function.
Inborn genetic diseases. Identifiers: MedGen C0950123, MeSH D030342.

Allele frequency attached by ClinVar (database versions not stated): TOPMed below 0.00001; ExAC 0.00001; gnomAD exomes 0.00002.
gnomAD v4.1: 25 of 1,614,158 alleles (0.0015%); highest among the groups gnomAD compares: Non-Finnish European, 0.0018%; no homozygotes.

Submissions (2):

Ambry Genetics
Classification: Uncertain significance for Inborn genetic diseases. Last evaluated: 2025-07-02. Review status: criteria provided, single submitter. Criteria: Ambry Variant Classification Scheme 2023. Collection method: clinical testing. Allele origin: germline.

Labcorp Genetics (formerly Invitae), Labcorp
Classification: Uncertain significance for Hereditary hemochromatosis. Last evaluated: 2021-08-24. Review status: criteria provided, single submitter. Criteria: Invitae Variant Classification Sherloc (09022015). Collection method: clinical testing. Allele origin: germline.
Comment: This sequence change replaces glycine with arginine at codon 112 of the TFR2 protein (p.Gly112Arg). The glycine residue is highly conserved and there is a moderate physicochemical difference between glycine and arginine. This variant is present in population databases (rs759961080, ExAC 0.002%). This variant has not been reported in the literature in individuals affected with TFR2-related conditions. Algorithms developed to predict the effect of missense changes on protein structure and function are either unavailable or do not agree on the potential impact of this missense change (SIFT: "Tolerated"; PolyPhen-2: "Possibly Damaging"; Align-GVGD: "Class C0"). In summary, the available evidence is currently insufficient to determine the role of this variant in disease. Therefore, it has been classified as a Variant of Uncertain Significance.